The following is an entry in ClinVar:

NM_002474.3(MYH11):c.531-20G>A

Gene: MYH11 (myosin heavy chain 11; minus strand). Cytogenetic location: 16p13.11.
Variant type: single nucleotide variant.
Coding change: c.531-20G>A on transcript NM_002474.3 (MANE Select); 20 bases into the intron before coding-DNA position 531, G replaced by A.
Molecular consequence: intron variant.
Genome position (GRCh38, 1-based): chr16:15,786,752, C>T on the plus strand (G>A on the coding strand, the complement: MYH11 is on the minus strand). VCF-style: chr16-15786752-C-T. GRCh37 (hg19) VCF-style: chr16-15880609-C-T.
Other names: c.531-20G>A (NM_022844.3, NM_001040114.2, NM_001040113.2).
Identifiers: ClinVar variation 668221 (VCV000668221.4), dbSNP rs1596836699, ClinGen allele CA915946323.

ClinVar aggregate classification (germline): Likely benign. Review status: criteria provided, multiple submitters, no conflicts (2 of 4 stars). 2 submissions from 2 submitters: Likely benign (2). Last evaluated 2023-03-18.

Conditions:
Aortic aneurysm, familial thoracic 4 (AAT4). Also called: AORTIC ANEURYSM/AORTIC DISSECTION AND PATENT DUCTUS ARTERIOSUS. Identifiers: MedGen C1851504, MONDO:0007568, OMIM 132900.

Submissions (2):

Labcorp Genetics (formerly Invitae), Labcorp
Classification: Likely benign for Aortic aneurysm, familial thoracic 4. Last evaluated: 2023-03-18. Review status: criteria provided, single submitter. Criteria: Invitae Variant Classification Sherloc (09022015). Collection method: clinical testing. Allele origin: germline.

GeneDx
Classification: Likely benign. Last evaluated: 2018-05-08. Review status: criteria provided, single submitter. Criteria: GeneDx Variant Classification (06012015). Collection method: clinical testing. Allele origin: germline. Affected: yes.
Comment: This variant is considered likely benign or benign based on one or more of the following criteria: it is a conservative change, it occurs at a poorly conserved position in the protein, it is predicted to be benign by multiple in silico algorithms, and/or has population frequency not consistent with disease.